The following is an entry in ClinVar:

ClinVar aggregate classification (germline): Uncertain significance (1 of 4 stars; one submission).

Conditions:
Accelerated tumor formation, susceptibility to (ACTFS). Identifiers: MedGen C3280690, OMIM 614401, MONDO:0013733.

Submission:

Labcorp Genetics (formerly Invitae), Labcorp
Classification: Uncertain significance for Accelerated tumor formation, susceptibility to. Last evaluated: 2022-01-20. Review status: criteria provided, single submitter. Criteria: Invitae Variant Classification Sherloc (09022015). Collection method: clinical testing. Allele origin: germline.
Comment: This sequence change replaces serine, which is neutral and polar, with arginine, which is basic and polar, at codon 129 of the MDM2 protein (p.Ser129Arg). This variant is not present in population databases (gnomAD no frequency). In summary, the available evidence is currently insufficient to determine the role of this variant in disease. Therefore, it has been classified as a Variant of Uncertain Significance. Algorithms developed to predict the effect of missense changes on protein structure and function are either unavailable or do not agree on the potential impact of this missense change (SIFT: "Tolerated"; PolyPhen-2: "Possibly Damaging"; Align-GVGD: "Class C0"). This variant has not been reported in the literature in individuals affected with MDM2-related conditions.

NM_002392.6(MDM2):c.385A>C (p.Ser129Arg)

Gene: MDM2 (MDM2 proto-oncogene; plus strand). Cytogenetic location: 12q15.
Variant type: single nucleotide variant.
Coding change: c.385A>C on transcript NM_002392.6 (MANE Select); coding-DNA position 385, A replaced by C.
Protein change: p.Ser129Arg; replaces serine 129 with arginine.
Molecular consequence: missense variant. On other transcripts: intron variant (3).
Genome position (GRCh38, 1-based): chr12:68,824,389, A>C. VCF-style: chr12-68824389-A-C. GRCh37 (hg19) VCF-style: chr12-69218169-A-C.
Other names: c.367A>C, p.Ser123Arg (NM_001145337.3, NM_001367990.1); c.358+4015A>C (NM_001145339.2); c.156+10761A>C (NM_001278462.2, NM_001145340.3); short protein forms S129R, S123R.
Identifiers: ClinVar variation 2088438 (VCV002088438.4), dbSNP rs2136137917, ClinGen allele CA385705954.
Genomic context (GRCh38, chr12:68,824,389, plus strand): 5'-CACCAAGTTTCTGATCCTTTTTCTTTTCTCTCAGAATCATCGGACTCAGGTACATCTGTG[A>C]GTGAGAACAGGTGTCACCTTGAAGGTGGGAGTGATCAAAAGGTAATCTAAGTAAATTTCT-3'
Protein context (NP_002383.2, residues 119-139): QESSDSGTSV[Ser129Arg]ENRCHLEGGS